The following is an entry in ClinVar:

NM_058216.3(RAD51C):c.795del (p.Ala266fs)

Gene: RAD51C (RAD51 paralog C; plus strand). Cytogenetic location: 17q22.
Variant type: Deletion.
Coding change: c.795del on transcript NM_058216.3 (MANE Select); coding-DNA position 795, one base deleted (A; older notation c.795delA).
Protein change: p.Ala266fs; shifts the reading frame from alanine 266.
Molecular consequence: frameshift variant. On other transcripts: non-coding transcript variant (1).
Genome position (GRCh38, 1-based): chr17:58,709,948, A deleted. VCF-style (leftmost placement, unchanged base first): chr17-58709947-TA-T. GRCh37 (hg19) VCF-style: chr17-56787308-TA-T.
Other names: short protein forms A266fs.
Identifiers: ClinVar variation 1073709 (VCV001073709.9), dbSNP rs2143853617, ClinGen allele CA2499224763.

ClinVar aggregate classification (germline): Pathogenic. Review status: criteria provided, multiple submitters, no conflicts (2 of 4 stars). 3 submissions from 3 submitters: Pathogenic (3). Last evaluated 2024-01-03.

Conditions:
Hereditary cancer-predisposing syndrome. Also called: Neoplastic Syndromes, Hereditary; Hereditary neoplastic syndrome; Tumor predisposition; Hereditary Cancer Syndrome. Identifiers: Orphanet 140162, MedGen C0027672, MeSH D009386, MONDO:0015356.
Breast-ovarian cancer, familial, susceptibility to, 3. Also called: RAD51C-Related Breast/Ovarian Cancer. Identifiers: Orphanet 145, MedGen C3150659, MONDO:0013253, OMIM 613399.
Fanconi anemia complementation group O. Also called: RAD51C-Related Fanconi Anemia. Identifiers: Orphanet 84, MedGen C3150653, MONDO:0013248, OMIM 613390.

Submissions (3):

Myriad Genetics, Inc.
Classification: Pathogenic for Breast-ovarian cancer, familial, susceptibility to, 3. Last evaluated: 2024-01-03. Review status: criteria provided, single submitter. Criteria: Myriad Autosomal Dominant, Autosomal Recessive and X-Linked Classification Criteria (2023). Collection method: clinical testing. Allele origin: unknown.
Comment: This variant is considered pathogenic. This variant creates a frameshift predicted to result in premature protein truncation.

Labcorp Genetics (formerly Invitae), Labcorp
Classification: Pathogenic for Fanconi anemia complementation group O. Last evaluated: 2023-10-03. Review status: criteria provided, single submitter. Criteria: Invitae Variant Classification Sherloc (09022015). Collection method: clinical testing. Allele origin: germline.
Comment: This sequence change creates a premature translational stop signal (p.Ala266Profs*4) in the RAD51C gene. It is expected to result in an absent or disrupted protein product. Loss-of-function variants in RAD51C are known to be pathogenic (PMID: 20400964, 21990120, 24800917, 29278735). This variant is not present in population databases (gnomAD no frequency). This variant has not been reported in the literature in individuals affected with RAD51C-related conditions. ClinVar contains an entry for this variant (Variation ID: 1073709). For these reasons, this variant has been classified as Pathogenic.

Ambry Genetics
Classification: Pathogenic for Hereditary cancer-predisposing syndrome. Last evaluated: 2020-03-06. Review status: criteria provided, single submitter. Criteria: Ambry Variant Classification Scheme 2023. Collection method: clinical testing. Allele origin: germline.
Comment: The c.795delA pathogenic mutation, located in coding exon 5 of the RAD51C gene, results from a deletion of one nucleotide at nucleotide position 795, causing a translational frameshift with a predicted alternate stop codon (p.A266Pfs*4). This alteration is expected to result in loss of function by premature protein truncation or nonsense-mediated mRNA decay. As such, this alteration is interpreted as a disease-causing mutation.

Literature cited by the submitters: PubMed 20400964 (cited by Labcorp Genetics (formerly Invitae), Labcorp); PubMed 21990120 (cited by Labcorp Genetics (formerly Invitae), Labcorp); PubMed 24800917 (cited by Labcorp Genetics (formerly Invitae), Labcorp); PubMed 29278735 (cited by Labcorp Genetics (formerly Invitae), Labcorp).